The following is an entry in ClinVar:

NM_015346.4(ZFYVE26):c.4502C>A (p.Thr1501Lys)

Gene: ZFYVE26 (zinc finger FYVE-type containing 26; minus strand). Cytogenetic location: 14q24.1.
Variant type: single nucleotide variant.
Coding change: c.4502C>A on transcript NM_015346.4 (MANE Select); coding-DNA position 4502, C replaced by A.
Protein change: p.Thr1501Lys; replaces threonine 1501 with lysine.
Molecular consequence: missense variant.
Genome position (GRCh38, 1-based): chr14:67,781,400, G>T on the plus strand (C>A on the coding strand, the complement: ZFYVE26 is on the minus strand). VCF-style: chr14-67781400-G-T. GRCh37 (hg19) VCF-style: chr14-68248117-G-T.
Other names: c.4502C>A (NM_015346.3); short protein forms T1501K.
Identifiers: ClinVar variation 1519439 (VCV001519439.4), dbSNP rs201034965, ClinGen allele CA7239754.

ClinVar aggregate classification (germline): Uncertain significance. Review status: criteria provided, multiple submitters, no conflicts (2 of 4 stars). 2 submissions from 2 submitters: Uncertain significance (2). Last evaluated 2025-02-28.

Conditions:
Spastic paraplegia. Identifiers: MedGen C0037772, HP:0001258.
Inborn genetic diseases. Identifiers: MedGen C0950123, MeSH D030342.

Allele frequency attached by ClinVar (database versions not stated): 1000 Genomes Project 0.00020; 1000 Genomes Project 30x 0.00016.
gnomAD v4.1: 45 of 1,614,162 alleles (0.0028%); highest among the groups gnomAD compares: Middle Eastern, 0.099%; no homozygotes.

Submissions (2):

Ambry Genetics
Classification: Uncertain significance for Inborn genetic diseases. Last evaluated: 2025-02-28. Review status: criteria provided, single submitter. Criteria: Ambry Variant Classification Scheme 2023. Collection method: clinical testing. Allele origin: germline.

Labcorp Genetics (formerly Invitae), Labcorp
Classification: Uncertain significance for Spastic paraplegia. Last evaluated: 2022-07-01. Review status: criteria provided, single submitter. Criteria: Invitae Variant Classification Sherloc (09022015). Collection method: clinical testing. Allele origin: germline.
Comment: This sequence change replaces threonine, which is neutral and polar, with lysine, which is basic and polar, at codon 1501 of the ZFYVE26 protein (p.Thr1501Lys). This variant is present in population databases (rs201034965, gnomAD 0.02%). This variant has not been reported in the literature in individuals affected with ZFYVE26-related conditions. ClinVar contains an entry for this variant (Variation ID: 1519439). Algorithms developed to predict the effect of missense changes on protein structure and function (SIFT, PolyPhen-2, Align-GVGD) all suggest that this variant is likely to be tolerated. In summary, the available evidence is currently insufficient to determine the role of this variant in disease. Therefore, it has been classified as a Variant of Uncertain Significance.